The following is an entry in ClinVar:

NM_130384.3(ATRIP):c.26G>T (p.Ser9Ile)

Genes: ATRIP (ATR interacting protein; plus strand), ATRIP-TREX1 (ATRIP-TREX1 readthrough; plus strand), LOC129936703 (ATAC-STARR-seq lymphoblastoid silent region 14331; plus strand). Cytogenetic location: 3p21.31.
Variant type: single nucleotide variant.
Coding change: c.26G>T on transcript NM_130384.3 (MANE Select); coding-DNA position 26, G replaced by T.
Protein change: p.Ser9Ile; replaces serine 9 with isoleucine.
Molecular consequence: missense variant. On other transcripts: non-coding transcript variant (1), intron variant (1).
Genome position (GRCh38, 1-based): chr3:48,446,871, G>T. VCF-style: chr3-48446871-G-T. GRCh37 (hg19) VCF-style: chr3-48488275-G-T.
Other names: c.26G>T (NM_130384.1); c.26G>T, p.Ser9Ile (NM_032166.4); c.-218+72G>T (NM_001271022.2); short protein forms S9I.
Identifiers: ClinVar variation 2049866 (VCV002049866.6), dbSNP rs769758692, ClinGen allele CA2375861.

ClinVar aggregate classification (germline): Conflicting classifications of pathogenicity. Review status: criteria provided, conflicting classifications (1 of 4 stars). 2 submissions from 2 submitters: Uncertain significance (1); Likely benign (1). Last evaluated 2026-06-29.

Allele frequency attached by ClinVar (database versions not stated): TOPMed 0.00009; gnomAD exomes 0.00002.
gnomAD v4.1: 11 of 1,402,162 alleles (0.00078%); highest among the groups gnomAD compares: Admixed American, 0.027%; no homozygotes.

Submissions (2):

Ambry Genetics
Classification: Likely benign. Last evaluated: 2026-06-29. Review status: criteria provided, single submitter. Criteria: Ambry Variant Classification Scheme 2023. Collection method: clinical testing. Allele origin: germline.

Labcorp Genetics (formerly Invitae), Labcorp
Classification: Uncertain significance. Last evaluated: 2024-02-28. Review status: criteria provided, single submitter. Criteria: Invitae Variant Classification Sherloc (09022015). Collection method: clinical testing. Allele origin: germline.
Comment: This sequence change replaces serine, which is neutral and polar, with isoleucine, which is neutral and non-polar, at codon 9 of the ATRIP protein (p.Ser9Ile). This variant is present in population databases (rs769758692, gnomAD 0.03%). This variant has not been reported in the literature in individuals affected with ATRIP-related conditions. ClinVar contains an entry for this variant (Variation ID: 2049866). Algorithms developed to predict the effect of missense changes on protein structure and function output the following: SIFT: "Not Available"; PolyPhen-2: "Benign"; Align-GVGD: "Not Available". The isoleucine amino acid residue is found in multiple mammalian species, which suggests that this missense change does not adversely affect protein function. In summary, the available evidence is currently insufficient to determine the role of this variant in disease. Therefore, it has been classified as a Variant of Uncertain Significance.